The following is an entry in ClinVar:

ClinVar aggregate classification (germline): Pathogenic/Likely pathogenic. Review status: criteria provided, multiple submitters, no conflicts (2 of 4 stars). 7 submissions from 7 submitters: Pathogenic (3); Likely pathogenic (2). 2 of the submissions do not count toward it. Last evaluated 2026-04-04.

Conditions:
IFT172-related disorder. Also called: IFT172-related disorders; IFT172-related condition.
Bardet-Biedl syndrome 20. Identifiers: MedGen C4310707, MONDO:0023670, OMIM 619471, MONDO:0014926.
Retinitis pigmentosa 71 (RP71). Identifiers: Orphanet 791, MedGen C4225342, MONDO:0014618, OMIM 616394.
Short-rib thoracic dysplasia 10 with or without polydactyly (SRTD10). Identifiers: Orphanet 474, MedGen C3810175, MONDO:0014284, OMIM 615630.
Short-rib thoracic dysplasia 6 with or without polydactyly (SRTD6). Also called: SHORT-RIB THORACIC DYSPLASIA 6 WITH POLYDACTYLY; SHORT-RIB THORACIC DYSPLASIA 6 WITHOUT POLYDACTYLY; POLYDACTYLY WITH NEONATAL CHONDRODYSTROPHY, TYPE II; Majewski Syndrome; SHORT RIB-POLYDACTYLY SYNDROME, TYPE IIA. Identifiers: MedGen C0024507, MONDO:0009894, OMIM 263520.

Allele frequency attached by ClinVar (database versions not stated): ExAC 0.00001; gnomAD exomes 0.00001 and 0.00003; TOPMed 0.00001.

Submissions (7):

PreventionGenetics, part of Exact Sciences
Classification: Pathogenic for IFT172-related condition. Last evaluated: 2026-04-04. Review status: criteria provided, single submitter. Criteria: ACMG Guidelines, 2015. Collection method: clinical testing. Allele origin: germline.
Comment: The IFT172 c.2765dupA variant is predicted to result in premature protein termination (p.Tyr922*). This variant has been reported in an individual with short rib-polydactyly syndrome type 2; however, a second variant in IFT172 was not identified and the patient was reported to harbor several other variants in different genes (Table S3, Zhang et al. 2018. PubMed ID: 29068549). This variant is reported in 0.0018% of alleles in individuals of European (Non-Finnish) descent in gnomAD. Nonsense variants in IFT172 are expected to be pathogenic, and this variant is classified as pathogenic or likely pathogenic by multiple independent submitters to the ClinVar database (Variation ID: 446697). We interpret c.2765dup (p.Tyr922*) as pathogenic.

Labcorp Genetics (formerly Invitae), Labcorp
Classification: Pathogenic for Retinitis pigmentosa 71; Short-rib thoracic dysplasia 10 with or without polydactyly. Last evaluated: 2024-12-17. Review status: criteria provided, single submitter. Criteria: Invitae Variant Classification Sherloc (09022015). Collection method: clinical testing. Allele origin: germline.
Comment: This sequence change creates a premature translational stop signal (p.Tyr922*) in the IFT172 gene. It is expected to result in an absent or disrupted protein product. Loss-of-function variants in IFT172 are known to be pathogenic (PMID: 24140113). This variant is present in population databases (rs750338419, gnomAD 0.002%). This premature translational stop signal has been observed in individual(s) with short-rib polydactyly syndromes type 2 (SRPS type 2) (PMID: 29068549). ClinVar contains an entry for this variant (Variation ID: 446697). For these reasons, this variant has been classified as Pathogenic.

Fulgent Genetics
Classification: Pathogenic for Short-rib thoracic dysplasia 10 with or without polydactyly; Retinitis pigmentosa 71; Bardet-Biedl syndrome 20. Last evaluated: 2024-04-27. Review status: criteria provided, single submitter. Criteria: ACMG Guidelines, 2015. Collection method: clinical testing. Allele origin: germline.

GeneDx
Classification: Likely pathogenic. Last evaluated: 2022-08-18. Review status: criteria provided, single submitter. Criteria: GeneDx Variant Classification Process June 2021. Collection method: clinical testing. Allele origin: germline. Affected: yes.
Comment: Identified heterozygous in a patient with short rib-polydactyly syndrome via whole exome sequencing in the published literature (Zhang et al., 2018); Nonsense variant predicted to result in protein truncation or nonsense mediated decay in a gene for which loss of function is a known mechanism of disease; Not observed at significant frequency in large population cohorts (gnomAD); This variant is associated with the following publications: (PMID: 24140113, 29068549)

Blueprint Genetics
Classification: Likely pathogenic for IFT172-related disorders. Last evaluated: 2022-04-06. Review status: criteria provided, single submitter. Criteria: ACMG Guidelines, 2015. Collection method: clinical testing. Allele origin: germline. Affected: yes. Observed: 5 variant alleles.

Dan Cohn Lab, University Of California Los Angeles
Classification: Likely pathogenic for Short-rib thoracic dysplasia 6 with or without polydactyly. Last evaluated: 2017-06-01. Review status: no assertion criteria provided. Collection method: research. Allele origin: unknown. Affected: yes. Not counted in ClinVar's aggregate classification.

University of Washington Center for Mendelian Genomics, University of Washington
Classification: Likely pathogenic for short-rib polydactyly syndrome type II. Review status: no assertion criteria provided. Collection method: research. Allele origin: inherited. Affected: yes. Not counted in ClinVar's aggregate classification.

Literature cited by the submitters: PubMed 24140113 (cited by Labcorp Genetics (formerly Invitae), Labcorp); PubMed 29068549 (cited by 3 submitters).

NM_015662.3(IFT172):c.2765dup (p.Tyr922Ter)

Genes: IFT172 (intraflagellar transport 172; minus strand), LOC126806174 (CDK7 strongly-dependent group 2 enhancer GRCh37_chr2:27681686-27682885; plus strand). Cytogenetic location: 2p23.3.
Variant type: Duplication.
Coding change: c.2765dup on transcript NM_015662.3 (MANE Select); coding-DNA position 2765, one base duplicated (A; older notation c.2765dupA).
Protein change: p.Tyr922Ter; replaces tyrosine 922 with a stop codon.
Molecular consequence: nonsense.
Genome position (GRCh38, 1-based): chr2:27,459,400, T duplicated on the plus strand (A on the coding strand, the reverse complement: IFT172 is on the minus strand). VCF-style (leftmost placement, unchanged base first): chr2-27459399-A-AT. GRCh37 (hg19) VCF-style: chr2-27682266-A-AT.
Other names: c.2765dupA (NM_015662.2); short protein forms Y922*.
Identifiers: ClinVar variation 446697 (VCV000446697.19), dbSNP rs750338419, ClinGen allele CA1580199.